The following is an entry in ClinVar:

ClinVar aggregate classification (germline): Benign. Review status: criteria provided, multiple submitters, no conflicts (2 of 4 stars). 9 submissions from 9 submitters: Benign (9). Last evaluated 2026-01-27.

Conditions:
Collagen 6-related myopathy. Identifiers: MedGen CN117976, MONDO:0100225.
Bethlem myopathy 1A. Also called: Bethlem myopathy 1; Bethlem Muscular Dystrophy; MYOPATHY, BENIGN CONGENITAL, WITH CONTRACTURES. Identifiers: Orphanet 610, MedGen CN029274, MONDO:0024530, OMIM 158810.

Allele frequency attached by ClinVar (database versions not stated): 1000 Genomes Project 0.02995; gnomAD 0.03265 and 0.02997; 1000 Genomes Project 30x 0.03186; ESP Exome Variant Server 0.03314; ExAC 0.00901; TOPMed 0.03330; gnomAD exomes 0.00738.
gnomAD v4.1: 8,620 of 1,614,068 alleles (0.53%); highest among the groups gnomAD compares: African/African-American, 10%; 406 homozygotes.

Submissions (9):

Labcorp Genetics (formerly Invitae), Labcorp
Classification: Benign for Bethlem myopathy 1A. Last evaluated: 2026-01-27. Review status: criteria provided, single submitter. Criteria: Invitae Variant Classification Sherloc (09022015). Collection method: clinical testing. Allele origin: germline.

Mayo Clinic Laboratories, Mayo Clinic
Classification: Benign. Last evaluated: 2018-04-04. Review status: criteria provided, single submitter. Criteria: ACMG Guidelines, 2015. Collection method: clinical testing. Allele origin: germline. Observed: 14 variant alleles.

Illumina Laboratory Services, Illumina
Classification: Benign for Collagen VI-related myopathy. Last evaluated: 2018-01-12. Review status: criteria provided, single submitter. Criteria: ICSL Variant Classification Criteria 13 December 2019. Collection method: clinical testing. Allele origin: germline.
Comment: This variant was observed in the ICSL laboratory as part of a predisposition screen in an ostensibly healthy population. It had not been previously curated by ICSL or reported in the Human Gene Mutation Database (HGMD: prior to June 1st, 2018), and was therefore a candidate for classification through an automated scoring system. Utilizing variant allele frequency, disease prevalence and penetrance estimates, and inheritance mode, an automated score was calculated to assess if this variant is too frequent to cause the disease. Based on the score and internal cut-off values, a variant classified as benign is not then subjected to further curation. The score for this variant resulted in a classification of benign for this disease.

Athena Diagnostics
Classification: Benign. Last evaluated: 2017-11-14. Review status: criteria provided, single submitter. Criteria: Athena Diagnostics Criteria. Collection method: clinical testing. Allele origin: germline.

GeneDx
Classification: Benign. Last evaluated: 2016-05-13. Review status: criteria provided, single submitter. Criteria: GeneDx Variant Classification (06012015). Collection method: clinical testing. Allele origin: germline. Affected: yes.
Comment: This variant is considered likely benign or benign based on one or more of the following criteria: it is a conservative change, it occurs at a poorly conserved position in the protein, it is predicted to be benign by multiple in silico algorithms, and/or has population frequency not consistent with disease.

Genetic Services Laboratory, University of Chicago
Classification: Benign for AllHighlyPenetrant. Last evaluated: 2013-08-15. Review status: criteria provided, single submitter. Criteria: ACMG Guidelines, 2007. Collection method: clinical testing. Allele origin: germline.

Eurofins Ntd Llc (ga)
Classification: Benign. Last evaluated: 2012-11-05. Review status: criteria provided, single submitter. Criteria: EGL Classification Definitions 2015. Collection method: clinical testing. Allele origin: germline. Observed: 3 variant alleles, 2 heterozygotes, 1 homozygote.

Breakthrough Genomics
Classification: Benign. Review status: criteria provided, single submitter. Criteria: ACMG Guidelines, 2015. Collection method: not provided. Allele origin: germline. Inheritance: Autosomal recessive inheritance. Affected: yes.

PreventionGenetics, part of Exact Sciences
Classification: Benign. Review status: criteria provided, single submitter. Criteria: ACMG Guidelines, 2015. Collection method: clinical testing. Allele origin: germline.

NM_004369.4(COL6A3):c.1914G>A (p.Arg638=)

Gene: COL6A3 (collagen type VI alpha 3 chain; minus strand). Cytogenetic location: 2q37.3.
Variant type: single nucleotide variant.
Coding change: c.1914G>A on transcript NM_004369.4 (MANE Select); coding-DNA position 1914, G replaced by A.
Protein change: p.Arg638=; no amino-acid change (arginine 638 retained).
Molecular consequence: synonymous variant. On other transcripts: intron variant (1).
Genome position (GRCh38, 1-based): chr2:237,379,219, C>T on the plus strand (G>A on the coding strand, the complement: COL6A3 is on the minus strand). VCF-style: chr2-237379219-C-T. GRCh37 (hg19) VCF-style: chr2-238287862-C-T.
Other names: p.Arg638=; c.693G>A, p.Arg231= (NM_057164.5); c.1296G>A, p.Arg432= (NM_057165.5, NM_057167.4); c.676+1696G>A (NM_057166.5).
Identifiers: ClinVar variation 94913 (VCV000094913.27), dbSNP rs34904623, ClinGen allele CA147925.